The following is an entry in ClinVar:

NM_198282.4(STING1):c.49G>A (p.Gly17Arg)

Gene: STING1 (stimulator of interferon response cGAMP interactor 1; minus strand). Cytogenetic location: 5q31.2.
Variant type: single nucleotide variant.
Coding change: c.49G>A on transcript NM_198282.4 (MANE Select); coding-DNA position 49, G replaced by A.
Protein change: p.Gly17Arg; replaces glycine 17 with arginine.
Molecular consequence: missense variant. On other transcripts: intron variant (1).
Genome position (GRCh38, 1-based): chr5:139,481,656, C>T on the plus strand (G>A on the coding strand, the complement: STING1 is on the minus strand). VCF-style: chr5-139481656-C-T. GRCh37 (hg19) VCF-style: chr5-138861241-C-T.
Other names: c.49G>A, p.Gly17Arg (LRG_1308t1, NM_001301738.2); c.-130-314G>A (NM_001367258.1); short protein forms G17R.
Identifiers: ClinVar variation 654765 (VCV000654765.8), dbSNP rs759944012, ClinGen allele CA3435509.
Genomic context (GRCh38, chr5:139,481,656, plus strand): 5'-CTAGCCCCCAAAGGGTCACCAGGCAGGCACTCAGCAGAACCAAGGCTGCCTTCTGGGCCC[C>T]GTGACCCCTGGGACACGGGATGGATGGATGCAGGCTGGAGTGGGGCATCTGTGGGCACCA-3'
Protein context (NP_938023.1, residues 7-27): HPSIPCPRGH[Gly17Arg]AQKAALVLLS

ClinVar aggregate classification (germline): Conflicting classifications of pathogenicity. Review status: criteria provided, conflicting classifications (1 of 4 stars). 3 submissions from 3 submitters: Uncertain significance (2); Likely benign (1). Last evaluated 2025-02-10.

Conditions:
Autoinflammatory syndrome. Identifiers: Orphanet 93665, MedGen C3890737, MONDO:0019751.
STING-associated vasculopathy with onset in infancy. Also called: Sting-associated vasculopathy, infantile-onset. Identifiers: Orphanet 425120, MedGen C4014722, MONDO:0014405, OMIM 615934.

Allele frequency attached by ClinVar (database versions not stated): gnomAD 0.00001; ExAC 0.00002; gnomAD exomes 0.00002; TOPMed 0.00002.
gnomAD v4.1: 21 of 1,611,028 alleles (0.0013%); highest among the groups gnomAD compares: African/African-American, 0.008%; no homozygotes.

Submissions (3):

Labcorp Genetics (formerly Invitae), Labcorp
Classification: Uncertain significance for STING-associated vasculopathy with onset in infancy. Last evaluated: 2025-02-10. Review status: criteria provided, single submitter. Criteria: Invitae Variant Classification Sherloc (09022015). Collection method: clinical testing. Allele origin: germline.
Comment: This sequence change replaces glycine, which is neutral and non-polar, with arginine, which is basic and polar, at codon 17 of the TMEM173 protein (p.Gly17Arg). This variant is present in population databases (rs759944012, gnomAD 0.003%). This variant has not been reported in the literature in individuals affected with TMEM173-related conditions. ClinVar contains an entry for this variant (Variation ID: 654765). Invitae Evidence Modeling of protein sequence and biophysical properties (such as structural, functional, and spatial information, amino acid conservation, physicochemical variation, residue mobility, and thermodynamic stability) indicates that this missense variant is not expected to disrupt TMEM173 protein function with a negative predictive value of 80%. In summary, the available evidence is currently insufficient to determine the role of this variant in disease. Therefore, it has been classified as a Variant of Uncertain Significance.

Blueprint Genetics
Classification: Likely benign. Last evaluated: 2024-07-19. Review status: criteria provided, single submitter. Criteria: ACMG Guidelines, 2015. Collection method: clinical testing. Allele origin: germline.

Genome Diagnostics Laboratory, The Hospital for Sick Children
Classification: Uncertain significance for Autoinflammatory syndrome. Last evaluated: 2016-12-12. Review status: criteria provided, single submitter. Criteria: ACMG Guidelines, 2015. Collection method: clinical testing. Allele origin: germline. Affected: yes.